The following is an entry in ClinVar:

ClinVar aggregate classification (germline): Uncertain significance (1 of 4 stars; one submission).

Conditions:
Deficiency of butyryl-CoA dehydrogenase (ACADSD). Also called: ACADS DEFICIENCY; Short-Chain Acyl-CoA Dehydrogenase Deficiency; ACYL-CoA DEHYDROGENASE, SHORT-CHAIN, DEFICIENCY OF; SCAD DEFICIENCY, MILD; SCADH DEFICIENCY; SCAD Deficiency. Identifiers: Orphanet 26792, MedGen C0342783, MONDO:0008722, OMIM 201470. Disease mechanism: May be benign.

Allele frequency attached by ClinVar (database versions not stated): TOPMed below 0.00001; ExAC 0.00001; gnomAD 0.00001; gnomAD exomes 0.00001.
gnomAD v4.1: 12 of 1,613,154 alleles (0.00074%); highest among the groups gnomAD compares: Middle Eastern, 0.016%; no homozygotes.

Submission:

Labcorp Genetics (formerly Invitae), Labcorp
Classification: Uncertain significance for Deficiency of butyryl-CoA dehydrogenase. Last evaluated: 2025-06-01. Review status: criteria provided, single submitter. Criteria: Invitae Variant Classification Sherloc (09022015). Collection method: clinical testing. Allele origin: germline.
Comment: This sequence change replaces arginine, which is basic and polar, with cysteine, which is neutral and slightly polar, at codon 297 of the ACADS protein (p.Arg297Cys). This variant is present in population databases (rs747512252, gnomAD 0.002%). This variant has not been reported in the literature in individuals affected with ACADS-related conditions. ClinVar contains an entry for this variant (Variation ID: 1467607). Invitae Evidence Modeling of protein sequence and biophysical properties (such as structural, functional, and spatial information, amino acid conservation, physicochemical variation, residue mobility, and thermodynamic stability) indicates that this missense variant is expected to disrupt ACADS protein function with a positive predictive value of 80%. In summary, the available evidence is currently insufficient to determine the role of this variant in disease. Therefore, it has been classified as a Variant of Uncertain Significance.

NM_000017.4(ACADS):c.889C>T (p.Arg297Cys)

Gene: ACADS (acyl-CoA dehydrogenase short chain; plus strand). Cytogenetic location: 12q24.31.
Variant type: single nucleotide variant.
Coding change: c.889C>T on transcript NM_000017.4 (MANE Select); coding-DNA position 889, C replaced by T.
Protein change: p.Arg297Cys; replaces arginine 297 with cysteine.
Molecular consequence: missense variant.
Genome position (GRCh38, 1-based): chr12:120,738,626, C>T. VCF-style: chr12-120738626-C-T. GRCh37 (hg19) VCF-style: chr12-121176429-C-T.
Other names: c.877C>T, p.Arg293Cys (NM_001302554.2); short protein forms R297C, R293C.
Identifiers: ClinVar variation 1467607 (VCV001467607.8), dbSNP rs747512252, ClinGen allele CA6831106.
Genomic context (GRCh38, chr12:120,738,626, plus strand): 5'-TCCCAGGCCCTGGGCATTGCCCAGACCGCCCTCGATTGTGCTGTGAACTACGCTGAGAAT[C>T]GCATGGCCTTCGGGGCGCCCCTCACCAAGCTCCAGGTCATCCAGGTAATGGTGGCAGCTT-3'
Protein context (NP_000008.1, residues 287-307): LDCAVNYAEN[Arg297Cys]MAFGAPLTKL